The following is an entry in ClinVar:

ClinVar aggregate classification (germline): Uncertain significance (1 of 4 stars; one submission).

Conditions:
Cardiomyopathy (CMYO). Also called: Cardiomyopathies. Identifiers: Orphanet 167848, MedGen C0878544, MONDO:0004994, HP:0001638. Inheritance: Various modes of inheritance.

Allele frequency attached by ClinVar (database versions not stated): TOPMed below 0.00001; gnomAD 0.00001.
gnomAD v4.1: 2 of 1,613,192 alleles (0.00012%); highest among the groups gnomAD compares: Non-Finnish European, 0.00017%; no homozygotes.

Submission:

Color Diagnostics, LLC DBA Color Health
Classification: Uncertain significance for Cardiomyopathy. Last evaluated: 2020-09-08. Review status: criteria provided, single submitter. Criteria: ACMG Guidelines, 2015. Collection method: clinical testing. Allele origin: germline.
Comment: This missense variant replaces glutamic acid with lysine at codon 989 of the DSG2 protein. Computational prediction is inconclusive regarding the impact of this variant on protein structure and function (internally defined REVEL score threshold 0.5 < inconclusive < 0.7, PMID: 27666373). To our knowledge, functional studies have not been reported for this variant. This variant has not been reported in individuals affected with cardiovascular disorders in the literature. This variant has not been identified in the general population by the Genome Aggregation Database (gnomAD). The available evidence is insufficient to determine the role of this variant in disease conclusively. Therefore, this variant is classified as a Variant of Uncertain Significance.

NM_001943.5(DSG2):c.2965G>A (p.Glu989Lys)

Genes: DSG2 (desmoglein 2; plus strand), DSG2-AS1 (DSG2 antisense RNA 1; minus strand). Cytogenetic location: 18q12.1.
Variant type: single nucleotide variant.
Coding change: c.2965G>A on transcript NM_001943.5 (MANE Select); coding-DNA position 2965, G replaced by A.
Protein change: p.Glu989Lys; replaces glutamic acid 989 with lysine.
Molecular consequence: missense variant.
Genome position (GRCh38, 1-based): chr18:31,546,351, G>A. VCF-style: chr18-31546351-G-A. GRCh37 (hg19) VCF-style: chr18-29126314-G-A.
Other names: short protein forms E989K.
Identifiers: ClinVar variation 1171910 (VCV001171910.2), dbSNP rs748298838, ClinGen allele CA402147564.